The following is an entry in ClinVar:

ClinVar aggregate classification (germline): Uncertain significance. Review status: criteria provided, single submitter (1 of 4 stars). 2 submissions from 2 submitters: Uncertain significance (1). 1 of the submissions does not count toward it. Last evaluated 2025-11-12.

Conditions:
KDM6A-related disorder. Also called: KDM6A-related condition.

gnomAD v4.1: 2 of 1,209,752 alleles (0.00017%); highest among the groups gnomAD compares: Non-Finnish European, 0.00022%; no homozygotes.

Submissions (2):

GeneDx
Classification: Uncertain significance. Last evaluated: 2025-11-12. Review status: criteria provided, single submitter. Criteria: GeneDx Variant Classification Process June 2021. Collection method: clinical testing. Allele origin: germline. Affected: yes.
Comment: Not observed at significant frequency in large population cohorts (gnomAD); In silico analysis supports that this missense variant has a deleterious effect on protein structure/function; Has not been previously published as pathogenic or benign to our knowledge

PreventionGenetics, part of Exact Sciences
Classification: Uncertain significance for KDM6A-related condition. Last evaluated: 2024-04-03. Review status: no assertion criteria provided. Collection method: clinical testing. Allele origin: germline. Not counted in ClinVar's aggregate classification.
Comment: The KDM6A c.2077G>A variant is predicted to result in the amino acid substitution p.Gly693Arg. To our knowledge, this variant has not been reported in the literature or in a large population database, indicating this variant is rare. At this time, the clinical significance of this variant is uncertain due to the absence of conclusive functional and genetic evidence.

NM_001291415.2(KDM6A):c.2233G>A (p.Gly745Arg)

Gene: KDM6A (lysine demethylase 6A; plus strand). Cytogenetic location: Xp11.3.
Variant type: single nucleotide variant.
Coding change: c.2233G>A on transcript NM_001291415.2 (MANE Select); coding-DNA position 2233, G replaced by A.
Protein change: p.Gly745Arg; replaces glycine 745 with arginine.
Molecular consequence: missense variant. On other transcripts: non-coding transcript variant (1).
Genome position (GRCh38, 1-based): chrX:45,069,732, G>A. VCF-style: chrX-45069732-G-A. GRCh37 (hg19) VCF-style: chrX-44928977-G-A.
Other names: c.2098G>A, p.Gly700Arg (NM_001291416.2, NM_001419811.1); c.1942G>A, p.Gly648Arg (NM_001291417.2); c.2077G>A, p.Gly693Arg (NM_021140.4, NM_001419812.1); c.2077G>A (NM_021140.2); c.1840G>A, p.Gly614Arg (NM_001291418.2, NM_001419815.1); c.1189G>A, p.Gly397Arg (NM_001291421.2); c.1975G>A, p.Gly659Arg (NM_001410742.1, NM_001419814.1); c.2233G>A, p.Gly745Arg (NM_001419809.1); and 1 more; short protein forms G397R, G614R, G648R, G659R, G693R, G700R, G711R, G745R.
Identifiers: ClinVar variation 3356674 (VCV003356674.3).